The following is an entry in ClinVar:

ClinVar aggregate classification (germline): Uncertain significance (1 of 4 stars; one submission).

Conditions:
Hereditary cancer-predisposing syndrome. Also called: Tumor predisposition; Neoplastic Syndromes, Hereditary; Hereditary neoplastic syndrome; Hereditary Cancer Syndrome. Identifiers: Orphanet 140162, MedGen C0027672, MeSH D009386, MONDO:0015356.

Submission:

Ambry Genetics
Classification: Uncertain significance for Hereditary cancer-predisposing syndrome. Last evaluated: 2025-08-27. Review status: criteria provided, single submitter. Criteria: Ambry Variant Classification Scheme 2023. Collection method: clinical testing. Allele origin: germline.
Comment: The p.V356L variant (also known as c.1066G>C), located in coding exon 12 of the MUTYH gene, results from a G to C substitution at nucleotide position 1066. The valine at codon 356 is replaced by leucine, an amino acid with highly similar properties. This amino acid position is conserved. In addition, this alteration is predicted to be tolerated by in silico analysis. Based on the available evidence, the clinical significance of this variant remains unclear.

NM_001048174.2(MUTYH):c.982G>C (p.Val328Leu)

Gene: MUTYH (mutY DNA glycosylase; minus strand). Cytogenetic location: 1p34.1.
Variant type: single nucleotide variant.
Coding change: c.982G>C on transcript NM_001048174.2 (MANE Select); coding-DNA position 982, G replaced by C.
Protein change: p.Val328Leu; replaces valine 328 with leucine.
Molecular consequence: missense variant. On other transcripts: non-coding transcript variant (7).
Genome position (GRCh38, 1-based): chr1:45,331,781, C>G on the plus strand (G>C on the coding strand, the complement: MUTYH is on the minus strand). VCF-style: chr1-45331781-C-G. GRCh37 (hg19) VCF-style: chr1-45797453-C-G.
Other names: c.1024G>C, p.Val342Leu (NM_001407085.1, NM_001407083.1); c.985G>C, p.Val329Leu (NM_001407086.1, NM_001048172.2, NM_001407078.1 and 1 more transcripts); c.1003G>C, p.Val335Leu (NM_001407087.1); c.982G>C, p.Val328Leu (NM_001407088.1, NM_001407089.1, NM_001048173.2 and 6 more transcripts); c.706G>C, p.Val236Leu (NM_001407091.1, NM_001293192.2, NM_001293196.2); c.1057G>C, p.Val353Leu (NM_012222.3); c.1066G>C, p.Val356Leu (NM_001128425.2); c.1027G>C, p.Val343Leu (NM_001293190.2); and 5 more; short protein forms V236L, V339L, V353L, V300L, V314L, V335L, V342L, V315L.
Identifiers: ClinVar variation 4112976 (VCV004112976.1).